The following is an entry in ClinVar:

NM_001371986.1(UNC80):c.9409C>G (p.Leu3137Val)

Gene: UNC80 (unc-80 homolog, NALCN channel complex subunit; plus strand). Cytogenetic location: 2q34.
Variant type: single nucleotide variant.
Coding change: c.9409C>G on transcript NM_001371986.1 (MANE Select); coding-DNA position 9409, C replaced by G.
Protein change: p.Leu3137Val; replaces leucine 3137 with valine.
Molecular consequence: missense variant.
Genome position (GRCh38, 1-based): chr2:209,993,327, C>G. VCF-style: chr2-209993327-C-G. GRCh37 (hg19) VCF-style: chr2-210858051-C-G.
Other names: c.9211C>G, p.Leu3071Val (NM_032504.2); c.9139C>G, p.Leu3047Val (NM_182587.4); short protein forms L3071V, L3137V, L3047V.
Identifiers: ClinVar variation 2183623 (VCV002183623.1), dbSNP rs909324570, ClinGen allele CA64664912.

ClinVar aggregate classification (germline): Uncertain significance (1 of 4 stars; one submission).

Allele frequency attached by ClinVar (database versions not stated): gnomAD exomes below 0.00001; gnomAD 0.00006; TOPMed 0.00007.
gnomAD v4.1: 12 of 1,551,768 alleles (0.00077%); highest among the groups gnomAD compares: African/African-American, 0.016%; no homozygotes.

Submission:

Labcorp Genetics (formerly Invitae), Labcorp
Classification: Uncertain significance. Last evaluated: 2022-08-13. Review status: criteria provided, single submitter. Criteria: Invitae Variant Classification Sherloc (09022015). Collection method: clinical testing. Allele origin: germline.
Comment: This sequence change replaces leucine, which is neutral and non-polar, with valine, which is neutral and non-polar, at codon 3071 of the UNC80 protein (p.Leu3071Val). This variant is not present in population databases (gnomAD no frequency). This variant has not been reported in the literature in individuals affected with UNC80-related conditions. Algorithms developed to predict the effect of missense changes on protein structure and function are either unavailable or do not agree on the potential impact of this missense change (SIFT: "Not Available"; PolyPhen-2: "Probably Damaging"; Align-GVGD: "Not Available"). In summary, the available evidence is currently insufficient to determine the role of this variant in disease. Therefore, it has been classified as a Variant of Uncertain Significance.